The following is an entry in ClinVar:

NM_001267550.2(TTN):c.69175C>T (p.Leu23059Phe)

Genes: TTN-AS1 (TTN antisense RNA 1; plus strand), TTN (titin; minus strand). Cytogenetic location: 2q31.2.
Variant type: single nucleotide variant.
Coding change: c.69175C>T on transcript NM_001267550.2 (MANE Select); coding-DNA position 69175, C replaced by T.
Protein change: p.Leu23059Phe; replaces leucine 23059 with phenylalanine.
Molecular consequence: missense variant.
Genome position (GRCh38, 1-based): chr2:178,577,160, G>A on the plus strand (C>T on the coding strand, the complement: TTN is on the minus strand). VCF-style: chr2-178577160-G-A. GRCh37 (hg19) VCF-style: chr2-179441887-G-A.
Other names: c.69175C>T (NM_001267550.1); c.64252C>T, p.Leu21418Phe (NM_001256850.1); c.41980C>T, p.Leu13994Phe (NM_003319.4); c.61471C>T, p.Leu20491Phe (NM_133378.4); c.42355C>T, p.Leu14119Phe (NM_133432.3); c.42556C>T, p.Leu14186Phe (NM_133437.4); short protein forms L23059F, L13994F, L20491F, L21418F, L14119F, L14186F.
Identifiers: ClinVar variation 467416 (VCV000467416.4), dbSNP rs1394979272, ClinGen allele CA349669748.

ClinVar aggregate classification (germline): Uncertain significance. Review status: criteria provided, multiple submitters, no conflicts (2 of 4 stars). 2 submissions from 2 submitters: Uncertain significance (2). Last evaluated 2024-03-13.

Conditions:
Autosomal recessive limb-girdle muscular dystrophy type 2J (LGMDR10). Also called: Limb-girdle muscular dystrophy, type 2J; MUSCULAR DYSTROPHY, LIMB-GIRDLE, AUTOSOMAL RECESSIVE 10. Identifiers: Orphanet 140922, MedGen C1837342, MONDO:0012127, OMIM 608807.
Dilated cardiomyopathy 1G (CMD1G). Identifiers: Orphanet 154, MedGen C1858763, MONDO:0011400, OMIM 604145.

Allele frequency attached by ClinVar (database versions not stated): gnomAD exomes below 0.00001; gnomAD 0.00001; TOPMed 0.00001.
gnomAD v4.1: 2 of 1,612,946 alleles (0.00012%); highest among the groups gnomAD compares: African/African-American, 0.0013%; no homozygotes.

Submissions (2):

GeneDx
Classification: Uncertain significance. Last evaluated: 2024-03-13. Review status: criteria provided, single submitter. Criteria: GeneDx Variant Classification Process June 2021. Collection method: clinical testing. Allele origin: germline. Affected: yes.
Comment: Missense variant in a gene in which most reported pathogenic variants are truncating/loss of function; Has not been previously published as pathogenic or benign to our knowledge

Labcorp Genetics (formerly Invitae), Labcorp
Classification: Uncertain significance for Dilated cardiomyopathy 1G; Autosomal recessive limb-girdle muscular dystrophy type 2J. Last evaluated: 2017-03-07. Review status: criteria provided, single submitter. Criteria: Invitae Variant Classification Sherloc (09022015). Collection method: clinical testing. Allele origin: germline.